The following is an entry in ClinVar:

ClinVar aggregate classification (germline): Uncertain significance (1 of 4 stars; one submission).

Conditions:
Inborn genetic diseases. Identifiers: MedGen C0950123, MeSH D030342.

Submission:

Ambry Genetics
Classification: Uncertain significance for Inborn genetic diseases. Last evaluated: 2023-03-15. Review status: criteria provided, single submitter. Criteria: Ambry Variant Classification Scheme 2023. Collection method: clinical testing. Allele origin: germline.
Comment: The c.6474_6476delATG (p.E2158_C2159delinsD) alteration, located in coding exon 22 of the NSD1 gene, results from an in-frame deletion of 3 nucleotides at positions 6474 to 6476. This results in the deletion of a glutamic acid and a cysteine residue at codons 2158 and 2159 and an insertion of an aspartic acid residue at codon 2158. This variant was not reported in population-based cohorts in the Genome Aggregation Database (gnomAD). This alteration is predicted to be deleterious by in silico analysis (Choi, 2012). Based on insufficient or conflicting evidence, the clinical significance of this alteration remains unclear.

NM_022455.5(NSD1):c.6474_6476del (p.Glu2158_Cys2159delinsAsp)

Gene: NSD1 (nuclear receptor binding SET domain protein 1; plus strand). Cytogenetic location: 5q35.3.
Variant type: Deletion.
Coding change: c.6474_6476del on transcript NM_022455.5 (MANE Select); coding-DNA positions 6474 to 6476, 3 bases deleted (ATG; older notation c.6474_6476delATG).
Protein change: p.Glu2158_Cys2159delinsAsp.
Molecular consequence: inframe indel.
Genome position (GRCh38, 1-based): chr5:177,293,842-177,293,844, ATG deleted. VCF-style (leftmost placement, unchanged base first): chr5-177293841-AATG-A. GRCh37 (hg19) VCF-style: chr5-176720842-AATG-A.
Other names: c.5601_5603del, p.Glu1867_Cys1868delinsAsp (NM_001365684.2, NM_001409308.1, NM_172349.5); c.6474_6476del, p.Glu2158_Cys2159delinsAsp (NM_001409301.1, NM_001409302.1, NM_001409303.1); c.6054_6056del, p.Glu2018_Cys2019delinsAsp (NM_001409304.1); c.5721_5723del, p.Glu1907_Cys1908delinsAsp (NM_001409305.1); c.5712_5714del, p.Glu1904_Cys1905delinsAsp (NM_001409306.1, NM_001409307.1); c.5352_5354del, p.Glu1784_Cys1785delinsAsp (NM_001409309.1).
Identifiers: ClinVar variation 2525899 (VCV002525899.2), dbSNP rs2480828412, ClinGen allele CA2580614806.